The following is an entry in ClinVar:

ClinVar aggregate classification (germline): Conflicting classifications of pathogenicity. Review status: criteria provided, conflicting classifications (1 of 4 stars). 3 submissions from 3 submitters: Uncertain significance (1); Likely benign (1). 1 of the submissions does not count toward it. Last evaluated 2026-09-01.

Conditions:
IFT74-related disorder. Also called: IFT74-related condition; IFT74-Related Disorders.

Allele frequency attached by ClinVar (database versions not stated): gnomAD 0.00002; ExAC 0.00003; gnomAD exomes 0.00004; TOPMed 0.00005.
gnomAD v4.1: 15 of 1,585,762 alleles (0.00095%); highest among the groups gnomAD compares: Admixed American, 0.025%; no homozygotes.

Submissions (3):

CeGaT Center for Human Genetics Tuebingen
Classification: Likely benign. Last evaluated: 2026-09-01. Review status: criteria provided, single submitter. Criteria: CeGaT Center For Human Genetics Tuebingen Variant Classification Criteria Version 2. Collection method: clinical testing. Allele origin: germline. Affected: yes. Observed: 2 variant alleles.
Comment: IFT74: BP4, BP7

Labcorp Genetics (formerly Invitae), Labcorp
Classification: Uncertain significance. Last evaluated: 2022-09-27. Review status: criteria provided, single submitter. Criteria: Invitae Variant Classification Sherloc (09022015). Collection method: clinical testing. Allele origin: germline.
Comment: This sequence change affects codon 102 of the IFT74 mRNA. It is a 'silent' change, meaning that it does not change the encoded amino acid sequence of the IFT74 protein. It affects a nucleotide within the consensus splice site. This variant is present in population databases (rs761465255, gnomAD 0.03%). This variant has not been reported in the literature in individuals affected with IFT74-related conditions. ClinVar contains an entry for this variant (Variation ID: 1448842). Algorithms developed to predict the effect of sequence changes on RNA splicing suggest that this variant is not likely to affect RNA splicing. In summary, the available evidence is currently insufficient to determine the role of this variant in disease. Therefore, it has been classified as a Variant of Uncertain Significance.

PreventionGenetics, part of Exact Sciences
Classification: Likely benign for IFT74-related condition. Last evaluated: 2021-01-22. Review status: no assertion criteria provided. Collection method: clinical testing. Allele origin: germline. Not counted in ClinVar's aggregate classification.
Comment: This variant is classified as likely benign based on ACMG/AMP sequence variant interpretation guidelines (Richards et al. 2015 PMID: 25741868, with internal and published modifications).

NM_025103.4(IFT74):c.304A>C (p.Arg102=)

Gene: IFT74 (intraflagellar transport 74; plus strand). Cytogenetic location: 9p21.2.
Variant type: single nucleotide variant.
Coding change: c.304A>C on transcript NM_025103.4 (MANE Select); coding-DNA position 304, A replaced by C.
Protein change: p.Arg102=; no amino-acid change (arginine 102 retained).
Molecular consequence: synonymous variant.
Genome position (GRCh38, 1-based): chr9:26,980,618, A>C. VCF-style: chr9-26980618-A-C. GRCh37 (hg19) VCF-style: chr9-26980616-A-C.
Other names: c.304A>C (NM_025103.2); c.304A>C, p.Arg102= (NM_001099222.3, NM_001099223.3, NM_001099224.3 and 1 more transcripts).
Identifiers: ClinVar variation 1448842 (VCV001448842.6), dbSNP rs761465255, ClinGen allele CA5014885.